The following is an entry in ClinVar:

NM_177402.5(SYT2):c.358G>A (p.Ala120Thr)

Gene: SYT2 (synaptotagmin 2; minus strand). Cytogenetic location: 1q32.1.
Variant type: single nucleotide variant.
Coding change: c.358G>A on transcript NM_177402.5 (MANE Select); coding-DNA position 358, G replaced by A.
Protein change: p.Ala120Thr; replaces alanine 120 with threonine.
Molecular consequence: missense variant.
Genome position (GRCh38, 1-based): chr1:202,603,106, C>T on the plus strand (G>A on the coding strand, the complement: SYT2 is on the minus strand). VCF-style: chr1-202603106-C-T. GRCh37 (hg19) VCF-style: chr1-202572234-C-T.
Other names: c.358G>A, p.Ala120Thr (NM_001136504.1); c.358G>A (NM_177402.4); short protein forms A120T.
Identifiers: ClinVar variation 931591 (VCV000931591.10), dbSNP rs987703370, ClinGen allele CA35581462.
Genomic context (GRCh38, chr1:202,603,106, plus strand): 5'-GGTTCTCTGGCTCTTTCTCCTCCTCCCCTTCACCTTCCCCCTCAGTCAGGCCTGTCTCTG[C>T]GTCGTCGTCATCCTGTGGGAGCTGGGGGAGAGAGGGAACAAGTTAAAAGGGGAGGACCGA-3'
Protein context (NP_796376.2, residues 110-130): DMKGGQDDDD[Ala120Thr]ETGLTEGEGE

ClinVar aggregate classification (germline): Uncertain significance. Review status: criteria provided, multiple submitters, no conflicts (2 of 4 stars). 3 submissions from 3 submitters: Uncertain significance (3). Last evaluated 2026-02-02.

Conditions:
SYT2-related disorder. Also called: SYT2-related condition.
Congenital myasthenic syndrome 7. Also called: Myasthenic syndrome, congenital, 7, presynaptic; MYASTHENIC SYNDROME, CONGENITAL, 7A, PRESYNAPTIC, AND DISTAL MOTOR NEUROPATHY, AUTOSOMAL DOMINANT. Identifiers: Orphanet 590, MedGen C4015038, MONDO:0014468, OMIM 616040.

Allele frequency attached by ClinVar (database versions not stated): TOPMed 0.00004.
gnomAD v4.1: 28 of 1,613,956 alleles (0.0017%); highest among the groups gnomAD compares: African/African-American, 0.0053%; no homozygotes.

Submissions (3):

PreventionGenetics, part of Exact Sciences
Classification: Uncertain significance for SYT2-related condition. Last evaluated: 2026-02-02. Review status: criteria provided, single submitter. Criteria: ACMG Guidelines, 2015. Collection method: clinical testing. Allele origin: germline.
Comment: The SYT2 c.358G>A variant is predicted to result in the amino acid substitution p.Ala120Thr. To our knowledge, this variant has not been reported in the literature. This variant is reported in 0.0065% of alleles in individuals of South Asian descent in gnomAD. At this time, the clinical significance of this variant is uncertain due to the absence of conclusive functional and genetic evidence.

Labcorp Genetics (formerly Invitae), Labcorp
Classification: Uncertain significance. Last evaluated: 2025-10-28. Review status: criteria provided, single submitter. Criteria: Invitae Variant Classification Sherloc (09022015). Collection method: clinical testing. Allele origin: germline.
Comment: This sequence change replaces alanine, which is neutral and non-polar, with threonine, which is neutral and polar, at codon 120 of the SYT2 protein (p.Ala120Thr). This variant is present in population databases (no rsID available, gnomAD 0.006%). This variant has not been reported in the literature in individuals affected with SYT2-related conditions. ClinVar contains an entry for this variant (Variation ID: 931591). Invitae Evidence Modeling of protein sequence and biophysical properties (such as structural, functional, and spatial information, amino acid conservation, physicochemical variation, residue mobility, and thermodynamic stability) indicates that this missense variant is not expected to disrupt SYT2 protein function with a negative predictive value of 80%. In summary, the available evidence is currently insufficient to determine the role of this variant in disease. Therefore, it has been classified as a Variant of Uncertain Significance.

Centre for Mendelian Genomics, University Medical Centre Ljubljana
Classification: Uncertain significance for Congenital myasthenic syndrome 7. Last evaluated: 2019-08-16. Review status: criteria provided, single submitter. Criteria: ACMG Guidelines, 2015. Collection method: clinical testing. Allele origin: unknown. Affected: yes.
Comment: This variant was classified as: Uncertain significance. The available evidence on this variant's pathogenicity is insufficient or conflicting. The following ACMG criteria were applied in classifying this variant: No criteria apply.